The following is an entry in ClinVar:

NM_170784.3(MKKS):c.425T>C (p.Val142Ala)

Gene: MKKS (MKKS centrosomal shuttling protein; minus strand). Cytogenetic location: 20p12.2.
Variant type: single nucleotide variant.
Coding change: c.425T>C on transcript NM_170784.3 (MANE Select); coding-DNA position 425, T replaced by C.
Protein change: p.Val142Ala; replaces valine 142 with alanine.
Molecular consequence: missense variant.
Genome position (GRCh38, 1-based): chr20:10,413,090, A>G on the plus strand (T>C on the coding strand, the complement: MKKS is on the minus strand). VCF-style: chr20-10413090-A-G. GRCh37 (hg19) VCF-style: chr20-10393738-A-G.
Other names: c.425T>C, p.Val142Ala (NM_018848.3); short protein forms V142A.
Identifiers: ClinVar variation 216705 (VCV000216705.8), dbSNP rs863224773, ClinGen allele CA336572.

ClinVar aggregate classification (germline): Uncertain significance (1 of 4 stars; one submission).

Conditions:
Bardet-Biedl syndrome (BBS). Identifiers: Orphanet 110, MedGen C0752166, MONDO:0015229.
McKusick-Kaufman syndrome (MKKS). Also called: HYDROMETROCOLPOS SYNDROME; HYDROMETROCOLPOS, POSTAXIAL POLYDACTYLY, AND CONGENITAL HEART MALFORMATION. Identifiers: Orphanet 2473, MedGen C0948368, MONDO:0009367, OMIM 236700.

Allele frequency attached by ClinVar (database versions not stated): gnomAD exomes below 0.00001; TOPMed below 0.00001.

Submission:

Labcorp Genetics (formerly Invitae), Labcorp
Classification: Uncertain significance for McKusick-Kaufman syndrome; Bardet-Biedl syndrome. Last evaluated: 2022-05-25. Review status: criteria provided, single submitter. Criteria: Invitae Variant Classification Sherloc (09022015). Collection method: clinical testing. Allele origin: germline.
Comment: This sequence change replaces valine, which is neutral and non-polar, with alanine, which is neutral and non-polar, at codon 142 of the MKKS protein (p.Val142Ala). This variant is not present in population databases (gnomAD no frequency). This variant has not been reported in the literature in individuals affected with MKKS-related conditions. ClinVar contains an entry for this variant (Variation ID: 216705). Algorithms developed to predict the effect of missense changes on protein structure and function are either unavailable or do not agree on the potential impact of this missense change (SIFT: "Deleterious"; PolyPhen-2: "Possibly Damaging"; Align-GVGD: "Class C0"). In summary, the available evidence is currently insufficient to determine the role of this variant in disease. Therefore, it has been classified as a Variant of Uncertain Significance.